The following is an entry in ClinVar:

ClinVar aggregate classification (germline): Uncertain significance. Review status: criteria provided, multiple submitters, no conflicts (2 of 4 stars). 2 submissions from 2 submitters: Uncertain significance (2). Last evaluated 2024-09-01.

Conditions:
Inborn genetic diseases. Identifiers: MedGen C0950123, MeSH D030342.

gnomAD v4.1: 18 of 1,612,610 alleles (0.0011%); highest among the groups gnomAD compares: Middle Eastern, 0.033%; no homozygotes.

Submissions (2):

Ambry Genetics
Classification: Uncertain significance for Inborn genetic diseases. Last evaluated: 2024-09-01. Review status: criteria provided, single submitter. Criteria: Ambry Variant Classification Scheme 2023. Collection method: clinical testing. Allele origin: germline.

CeGaT Center for Human Genetics Tuebingen
Classification: Uncertain significance. Last evaluated: 2024-08-01. Review status: criteria provided, single submitter. Criteria: CeGaT Center For Human Genetics Tuebingen Variant Classification Criteria Version 2. Collection method: clinical testing. Allele origin: germline. Affected: yes. Observed: 1 variant allele.
Comment: COPB2: PM2, PP3

NM_004766.3(COPB2):c.1945C>T (p.Leu649Phe)

Gene: COPB2 (coat protein complex I subunit beta 2; minus strand). Cytogenetic location: 3q23.
Variant type: single nucleotide variant.
Coding change: c.1945C>T on transcript NM_004766.3 (MANE Select); coding-DNA position 1945, C replaced by T.
Protein change: p.Leu649Phe; replaces leucine 649 with phenylalanine.
Molecular consequence: missense variant. On other transcripts: non-coding transcript variant (1).
Genome position (GRCh38, 1-based): chr3:139,362,457, G>A on the plus strand (C>T on the coding strand, the complement: COPB2 is on the minus strand). VCF-style: chr3-139362457-G-A. GRCh37 (hg19) VCF-style: chr3-139081299-G-A.
Other names: c.1858C>T, p.Leu620Phe (NM_001410834.1); short protein forms L649F, L620F.
Identifiers: ClinVar variation 2270301 (VCV002270301.19), dbSNP rs765306875, ClinGen allele CA83998521.